The following is an entry in ClinVar:

ClinVar aggregate classification (germline): Conflicting classifications of pathogenicity. Review status: criteria provided, conflicting classifications (1 of 4 stars). 3 submissions from 3 submitters: Uncertain significance (2); Likely benign (1). Last evaluated 2025-07-16.

Conditions:
Hereditary cancer-predisposing syndrome. Also called: Neoplastic Syndromes, Hereditary; Hereditary neoplastic syndrome; Hereditary Cancer Syndrome; Tumor predisposition. Identifiers: Orphanet 140162, MedGen C0027672, MeSH D009386, MONDO:0015356.
Fanconi anemia complementation group J. Also called: BRIP1-Related Fanconi Anemia. Identifiers: Orphanet 84, MedGen C1836860, MONDO:0012187, OMIM 609054.
Familial cancer of breast. Also called: hereditary breast carcinoma; Hereditary breast cancer; BREAST CANCER, FAMILIAL. Identifiers: Orphanet 227535, MedGen C0346153, MONDO:0016419, OMIM 114480. Disease mechanism: loss of function.

Submissions (3):

Ambry Genetics
Classification: Likely benign for Hereditary cancer-predisposing syndrome. Last evaluated: 2025-07-16. Review status: criteria provided, single submitter. Criteria: Ambry Variant Classification Scheme 2023. Collection method: clinical testing. Allele origin: germline.

Institute for Biomarker Research, Medical Diagnostic Laboratories, L.L.C.
Classification: Uncertain significance for Hereditary cancer-predisposing syndrome. Last evaluated: 2024-07-09. Review status: criteria provided, single submitter. Criteria: ACMG Guidelines, 2015. Collection method: clinical testing. Allele origin: germline.

Labcorp Genetics (formerly Invitae), Labcorp
Classification: Uncertain significance for Familial cancer of breast; Fanconi anemia complementation group J. Last evaluated: 2020-01-09. Review status: criteria provided, single submitter. Criteria: Invitae Variant Classification Sherloc (09022015). Collection method: clinical testing. Allele origin: germline.
Comment: In summary, the available evidence is currently insufficient to determine the role of this variant in disease. Therefore, it has been classified as a Variant of Uncertain Significance. Algorithms developed to predict the effect of missense changes on protein structure and function output the following: SIFT: "Tolerated"; PolyPhen-2: "Benign"; Align-GVGD: "Class C0". The valine amino acid residue is found in multiple mammalian species, suggesting that this missense change does not adversely affect protein function. These predictions have not been confirmed by published functional studies and their clinical significance is uncertain. This variant has not been reported in the literature in individuals with BRIP1-related conditions. This variant is not present in population databases (ExAC no frequency). This sequence change replaces isoleucine with valine at codon 962 of the BRIP1 protein (p.Ile962Val). The isoleucine residue is weakly conserved and there is a small physicochemical difference between isoleucine and valine.

NM_032043.3(BRIP1):c.2884A>G (p.Ile962Val)

Gene: BRIP1 (BRCA1 interacting DNA helicase 1; minus strand). Cytogenetic location: 17q23.2.
Variant type: single nucleotide variant.
Coding change: c.2884A>G on transcript NM_032043.3 (MANE Select); coding-DNA position 2884, A replaced by G.
Protein change: p.Ile962Val; replaces isoleucine 962 with valine.
Molecular consequence: missense variant.
Genome position (GRCh38, 1-based): chr17:61,685,857, T>C on the plus strand (A>G on the coding strand, the complement: BRIP1 is on the minus strand). VCF-style: chr17-61685857-T-C. GRCh37 (hg19) VCF-style: chr17-59763218-T-C.
Other names: short protein forms I962V.
Identifiers: ClinVar variation 654755 (VCV000654755.13), dbSNP rs1603276520, ClinGen allele CA400481185.